The following is an entry in ClinVar:

Conditions:
Breast-ovarian cancer, familial, susceptibility to, 1 (BROVCA1). Also called: BRCA1 Hereditary Breast and Ovarian Cancer; OVARIAN CANCER, SUSCEPTIBILITY TO. Identifiers: Orphanet 145, MedGen C2676676, MONDO:0011450, OMIM 604370. Disease mechanism: loss of function.

Submission:

Brotman Baty Institute, University of Washington
No classification provided (evidence only). Condition: Breast-ovarian cancer, familial 1. Review status: no classification provided. Collection method: in vitro. Allele origin: not applicable. Functional consequence: function_uncertain_variant.
ClinVar note: "not provided" was previously submitted as the classification for the variant. However, the classification appeared to be based only on an observation of functional data so it was converted to no classification on 2025-07-30.

NM_007294.4(BRCA1):c.5001G>T (p.Lys1667Asn)

Gene: BRCA1 (BRCA1 DNA repair associated; minus strand). Cytogenetic location: 17q21.31.
Variant type: single nucleotide variant.
Coding change: c.5001G>T on transcript NM_007294.4 (MANE Select); coding-DNA position 5001, G replaced by T.
Protein change: p.Lys1667Asn; replaces lysine 1667 with asparagine.
Molecular consequence: missense variant. On other transcripts: non-coding transcript variant (1).
Genome position (GRCh38, 1-based): chr17:43,067,681, C>A on the plus strand (G>T on the coding strand, the complement: BRCA1 is on the minus strand). VCF-style: chr17-43067681-C-A. GRCh37 (hg19) VCF-style: chr17-41219698-C-A.
Other names: c.4113G>T, p.Lys1371Asn (NM_001407966.1); c.4110G>T, p.Lys1370Asn (NM_001407967.1); c.2397G>T, p.Lys799Asn (NM_001407968.1); c.2394G>T, p.Lys798Asn (NM_001407969.1); c.1758G>T, p.Lys586Asn (NM_001407970.1, NM_001407971.1); c.1689G>T, p.Lys563Asn (NM_001407982.1, NM_001407983.1, NM_001407984.1 and 13 more transcripts); c.1683G>T, p.Lys561Asn (NM_001408406.1, NM_001408407.1, NM_001408408.1); c.1680G>T, p.Lys560Asn (NM_001408409.1); and 70 more; short protein forms K563N, K1620N, K1667N, K1688N, K1371N, K1554N, K1577N, K1595N.
Identifiers: ClinVar variation 868513 (VCV000868513.3), dbSNP rs889937720, ClinGen allele CA10591517.